The following is an entry in ClinVar:

NM_001458.5(FLNC):c.6687G>A (p.Glu2229=)

Genes: FLNC (filamin C; plus strand), FLNC-AS1 (FLNC antisense RNA 1; minus strand). Cytogenetic location: 7q32.1.
Variant type: single nucleotide variant.
Coding change: c.6687G>A on transcript NM_001458.5 (MANE Select); coding-DNA position 6687, G replaced by A.
Protein change: p.Glu2229=; no amino-acid change (glutamic acid 2229 retained).
Molecular consequence: synonymous variant.
Genome position (GRCh38, 1-based): chr7:128,854,176, G>A. VCF-style: chr7-128854176-G-A. GRCh37 (hg19) VCF-style: chr7-128494230-G-A.
Other names: c.6588G>A, p.Glu2196= (NM_001127487.2).
Identifiers: ClinVar variation 2579029 (VCV002579029.25), dbSNP rs2536664056, ClinGen allele CA457850058.

ClinVar aggregate classification (germline): Likely benign (1 of 4 stars; one submission).

Submission:

CeGaT Center for Human Genetics Tuebingen
Classification: Likely benign. Last evaluated: 2023-08-01. Review status: criteria provided, single submitter. Criteria: CeGaT Center For Human Genetics Tuebingen Variant Classification Criteria Version 2. Collection method: clinical testing. Allele origin: germline. Affected: yes. Observed: 1 variant allele.
Comment: FLNC: PM2:Supporting, BP4, BP7